The following is an entry in ClinVar:

ClinVar aggregate classification (germline): Likely benign. Review status: criteria provided, multiple submitters, no conflicts (2 of 4 stars). 2 submissions from 2 submitters: Likely benign (2). Last evaluated 2026-06-03.

Conditions:
Cataract 5 multiple types (CTRCT5). Also called: CATARACT, MARNER TYPE; CATARACT 5, LAMELLAR; Lamellar cataract. Identifiers: Orphanet 91492, MedGen C0266537, MONDO:0007290, OMIM 116800, HP:0007971.
HSF4-related disorder. Also called: HSF4-related condition.

Allele frequency attached by ClinVar (database versions not stated): gnomAD exomes 0.00005 and 0.00019; 1000 Genomes Project 30x 0.00016; ESP Exome Variant Server 0.00017; ExAC 0.00018; gnomAD 0.00053 and 0.00063; TOPMed 0.00060.
gnomAD v4.1: 155 of 1,608,166 alleles (0.0096%); highest among the groups gnomAD compares: African/African-American, 0.16%; no homozygotes.

Submissions (2):

PreventionGenetics, part of Exact Sciences
Classification: Likely benign for HSF4-related condition. Last evaluated: 2026-06-03. Review status: criteria provided, single submitter. Criteria: ACMG Guidelines, 2015. Collection method: clinical testing. Allele origin: germline.
Comment: This variant is classified as likely benign based on ACMG/AMP sequence variant interpretation guidelines (Richards et al. 2015 PMID: 25741868, with internal and published modifications).

Labcorp Genetics (formerly Invitae), Labcorp
Classification: Likely benign for Cataract 5 multiple types. Last evaluated: 2020-08-06. Review status: criteria provided, single submitter. Criteria: Invitae Variant Classification Sherloc (09022015). Collection method: clinical testing. Allele origin: germline.

NM_001374675.1(HSF4):c.81G>A (p.Leu27=)

Gene: HSF4 (heat shock transcription factor 4; plus strand). Cytogenetic location: 16q22.1.
Variant type: single nucleotide variant.
Coding change: c.81G>A on transcript NM_001374675.1 (MANE Select); coding-DNA position 81, G replaced by A.
Protein change: p.Leu27=; no amino-acid change (leucine 27 retained).
Molecular consequence: synonymous variant.
Genome position (GRCh38, 1-based): chr16:67,164,892, G>A. VCF-style: chr16-67164892-G-A. GRCh37 (hg19) VCF-style: chr16-67198795-G-A.
Other names: c.81G>A, p.Leu27= (NM_001040667.3, NM_001374674.1, NM_001538.4).
Identifiers: ClinVar variation 704406 (VCV000704406.10), dbSNP rs375172660, ClinGen allele CA8101685.